The following is an entry in ClinVar:

NM_005422.4(TECTA):c.2862T>G (p.Cys954Trp)

Genes: TBCEL-TECTA (TBCEL-TECTA readthrough; plus strand), TECTA (tectorin alpha; plus strand), LOC126861365 (P300/CBP strongly-dependent group 1 enhancer GRCh37_chr11:121000154-121001353; plus strand). Cytogenetic location: 11q23.3.
Variant type: single nucleotide variant.
Coding change: c.2862T>G on transcript NM_005422.4 (MANE Select); coding-DNA position 2862, T replaced by G.
Protein change: p.Cys954Trp; replaces cysteine 954 with tryptophan.
Molecular consequence: missense variant.
Genome position (GRCh38, 1-based): chr11:121,130,132, T>G. VCF-style: chr11-121130132-T-G. GRCh37 (hg19) VCF-style: chr11-121000841-T-G.
Other names: c.3819T>G, p.Cys1273Trp (NM_001378761.1); short protein forms C1273W, C954W.
Identifiers: ClinVar variation 4875318 (VCV004875318.2).

ClinVar aggregate classification (germline): Uncertain significance (1 of 4 stars; one submission).

Submission:

CeGaT Center for Human Genetics Tuebingen
Classification: Uncertain significance. Last evaluated: 2026-06-01. Review status: criteria provided, single submitter. Criteria: CeGaT Center For Human Genetics Tuebingen Variant Classification Criteria Version 2. Collection method: clinical testing. Allele origin: germline. Affected: yes. Observed: 1 variant allele.
Comment: TECTA: PM2, PM3:Supporting, PP3